The following is an entry in ClinVar:

ClinVar aggregate classification (germline): Uncertain significance (1 of 4 stars; one submission).

Conditions:
DNAH6-related disorder. Also called: DNAH6-related condition.

gnomAD v4.1: 57 of 1,551,618 alleles (0.0037%); highest among the groups gnomAD compares: Non-Finnish European, 0.0042%; no homozygotes.

Submission:

PreventionGenetics, part of Exact Sciences
Classification: Uncertain significance for DNAH6-related condition. Last evaluated: 2025-03-24. Review status: criteria provided, single submitter. Criteria: ACMG Guidelines, 2015. Collection method: clinical testing. Allele origin: germline.
Comment: The DNAH6 c.12119A>G variant is predicted to result in the amino acid substitution p.Gln4040Arg. To our knowledge, this variant has not been reported in the literature. This variant is reported in 0.0049% of alleles in individuals of European (Finnish) descent in gnomAD. At this time, the clinical significance of this variant is uncertain due to the absence of conclusive functional and genetic evidence.

NM_001370.2(DNAH6):c.12119A>G (p.Gln4040Arg)

Gene: DNAH6 (dynein axonemal heavy chain 6; plus strand). Cytogenetic location: 2p11.2.
Variant type: single nucleotide variant.
Coding change: c.12119A>G on transcript NM_001370.2 (MANE Select); coding-DNA position 12119, A replaced by G.
Protein change: p.Gln4040Arg; replaces glutamine 4040 with arginine.
Molecular consequence: missense variant.
Genome position (GRCh38, 1-based): chr2:84,814,091, A>G. VCF-style: chr2-84814091-A-G. GRCh37 (hg19) VCF-style: chr2-85041215-A-G.
Other names: short protein forms Q4040R.
Identifiers: ClinVar variation 4980085 (VCV004980085.1).